The following is an entry in ClinVar:

NM_003172.4(SURF1):c.820T>G (p.Tyr274Asp)

Gene: SURF1 (SURF1 cytochrome c oxidase assembly factor; minus strand). Cytogenetic location: 9q34.2.
Variant type: single nucleotide variant.
Coding change: c.820T>G on transcript NM_003172.4 (MANE Select); coding-DNA position 820, T replaced by G.
Protein change: p.Tyr274Asp; replaces tyrosine 274 with aspartic acid.
Molecular consequence: missense variant.
Genome position (GRCh38, 1-based): chr9:133,352,074, A>C on the plus strand (T>G on the coding strand, the complement: SURF1 is on the minus strand). VCF-style: chr9-133352074-A-C. GRCh37 (hg19) VCF-style: chr9-136218929-A-C.
Other names: c.493T>G, p.Tyr165Asp (NM_001280787.1); c.820T>G (NM_003172.2); short protein forms Y274D, Y165D.
Identifiers: ClinVar variation 12766 (VCV000012766.3), dbSNP rs121918658, ClinGen allele CA122695.

ClinVar aggregate classification (germline): Pathogenic. Review status: criteria provided, single submitter (1 of 4 stars). 2 submissions from 2 submitters: Pathogenic (1). 1 of the submissions does not count toward it. Last evaluated 2024-06-05.

Conditions:
Mitochondrial complex IV deficiency, nuclear type 1 (MC4DN1). Also called: Mitochondrial complex IV deficiency; Complex 4 mitochondrial respiratory chain deficiency; Deficiency of mitochondrial respiratory chain complex4; Complex IV deficiency; COX DEFICIENCY. Identifiers: MedGen C5435656, MONDO:0700250, OMIM 220110. Disease mechanism: loss of function.

Submissions (2):

GeneDx
Classification: Pathogenic. Last evaluated: 2024-06-05. Review status: criteria provided, single submitter. Criteria: GeneDx Variant Classification Process June 2021. Collection method: clinical testing. Allele origin: germline. Affected: yes.
Comment: Reported with a frameshift variant on the opposite allele (in trans) in a patient with Leigh syndrome in the published literature (PMID: 10647889); Published functional studies using a yeast model system demonstrate that this variant has damaging effect on cytochrome c oxidase assembly (PMID: 21470975); Not observed at significant frequency in large population cohorts (gnomAD); In silico analysis supports that this missense variant has a deleterious effect on protein structure/function; This variant is associated with the following publications: (PMID: 11955926, 11317352, 10647889, 21470975)

OMIM
Classification: Pathogenic for MITOCHONDRIAL COMPLEX IV DEFICIENCY, NUCLEAR TYPE 1. Last evaluated: 1999-12-01. Review status: no assertion criteria provided. Collection method: literature only. Allele origin: germline. Not counted in ClinVar's aggregate classification.

Literature cited by the submitters: PubMed 10647889 (cited by OMIM).